The following is an entry in ClinVar:

NM_000166.6(GJB1):c.519C>A (p.Cys173Ter)

Gene: GJB1 (gap junction protein beta 1; plus strand). Cytogenetic location: Xq13.1.
Variant type: single nucleotide variant.
Coding change: c.519C>A on transcript NM_000166.6 (MANE Select); coding-DNA position 519, C replaced by A.
Protein change: p.Cys173Ter; replaces cysteine 173 with a stop codon.
Molecular consequence: nonsense.
Genome position (GRCh38, 1-based): chrX:71,224,226, C>A. VCF-style: chrX-71224226-C-A. GRCh37 (hg19) VCF-style: chrX-70444076-C-A.
Other names: c.519C>A, p.Cys173Ter (NM_001097642.3); short protein forms C173*.
Identifiers: ClinVar variation 946941 (VCV000946941.9), dbSNP rs2092545291, ClinGen allele CA413502931.

ClinVar aggregate classification (germline): Pathogenic (1 of 4 stars; one submission).

Conditions:
Charcot-Marie-Tooth Neuropathy X. Identifiers: MedGen CN118851.

Submission:

Labcorp Genetics (formerly Invitae), Labcorp
Classification: Pathogenic for Charcot-Marie-Tooth Neuropathy X. Last evaluated: 2022-08-25. Review status: criteria provided, single submitter. Criteria: Invitae Variant Classification Sherloc (09022015). Collection method: clinical testing. Allele origin: germline.
Comment: For these reasons, this variant has been classified as Pathogenic. This variant disrupts a region of the GJB1 protein in which other variant(s) (p.Arg220*) have been determined to be pathogenic (PMID: 7477983, 8162049, 9364054, 9592087, 21291455). This suggests that this is a clinically significant region of the protein, and that variants that disrupt it are likely to be disease-causing. ClinVar contains an entry for this variant (Variation ID: 946941). This premature translational stop signal has been observed in individual(s) with clinical features of GJB1-related conditions (Invitae). This variant is not present in population databases (gnomAD no frequency). This sequence change creates a premature translational stop signal (p.Cys173*) in the GJB1 gene. While this is not anticipated to result in nonsense mediated decay, it is expected to disrupt the last 111 amino acid(s) of the GJB1 protein.

Literature cited by the submitters: PubMed 7477983; PubMed 8162049; PubMed 9364054; PubMed 9592087; PubMed 21291455.